The following is an entry in ClinVar:

ClinVar aggregate classification (germline): Likely pathogenic (1 of 4 stars; one submission).

Conditions:
Niemann-Pick disease, type A. Also called: Infantile Neurovisceral ASMD (Niemann-Pick Disease Type A; NPD-A); SPHINGOMYELIN LIPIDOSIS; SPHINGOMYELINASE DEFICIENCY. Identifiers: Orphanet 77292, MedGen C0268242, MONDO:0009756, OMIM 257200. Disease mechanism: loss of function.
Niemann-Pick disease, type B. Also called: Chronic Visceral ASMD (Niemann-Pick Disease Type B; NPD-B). Identifiers: Orphanet 77293, MedGen C0268243, MONDO:0011871, OMIM 607616. Disease mechanism: loss of function.

Submission:

Otogenetics
Classification: Likely pathogenic for Niemann-Pick disease, type A; Niemann-Pick disease, type B. Last evaluated: 2025-08-11. Review status: criteria provided, single submitter. Criteria: ACMG Guidelines, 2015. Collection method: clinical testing. Allele origin: germline. Inheritance: Autosomal recessive inheritance. Affected: no.
Comment: PVS1: Null variant introduces a frameshift in a gene with loss of function as mechanism of disease, predicted to undergo NMD PM2: Variant not observed in gnomAD (<0.28% threshold)

NM_000543.5(SMPD1):c.116del (p.Leu39fs)

Gene: SMPD1 (sphingomyelin phosphodiesterase 1; plus strand). Cytogenetic location: 11p15.4.
Variant type: Deletion.
Coding change: c.116del on transcript NM_000543.5 (MANE Select); coding-DNA position 116, one base deleted (T; older notation c.116delT).
Protein change: p.Leu39fs; shifts the reading frame from leucine 39.
Molecular consequence: frameshift variant. On other transcripts: 5 prime UTR variant (1), non-coding transcript variant (2).
Genome position (GRCh38, 1-based): chr11:6,390,714, T deleted. VCF-style (leftmost placement, unchanged base first): chr11-6390713-CT-C. GRCh37 (hg19) VCF-style: chr11-6411943-CT-C.
Other names: c.116del, p.Leu39fs (NM_001007593.3, NM_001318087.2, NM_001365135.2); c.-846del (NM_001318088.2); c.116delT (NM_000543.5); short protein forms L39fs.
Identifiers: ClinVar variation 4076512 (VCV004076512.1).